The following is an entry in ClinVar:

NM_001267550.2(TTN):c.104060T>G (p.Leu34687Arg)

Genes: TTN-AS1 (TTN antisense RNA 1; plus strand), TTN (titin; minus strand). Cytogenetic location: 2q31.2.
Variant type: single nucleotide variant.
Coding change: c.104060T>G on transcript NM_001267550.2 (MANE Select); coding-DNA position 104060, T replaced by G.
Protein change: p.Leu34687Arg; replaces leucine 34687 with arginine.
Molecular consequence: missense variant.
Genome position (GRCh38, 1-based): chr2:178,532,555, A>C on the plus strand (T>G on the coding strand, the complement: TTN is on the minus strand). VCF-style: chr2-178532555-A-C. GRCh37 (hg19) VCF-style: chr2-179397282-A-C.
Other names: c.99137T>G, p.Leu33046Arg (NM_001256850.1); c.76865T>G, p.Leu25622Arg (NM_003319.4); c.96356T>G, p.Leu32119Arg (NM_133378.4); c.77240T>G, p.Leu25747Arg (NM_133432.3); c.77441T>G, p.Leu25814Arg (NM_133437.4); short protein forms L25622R, L25747R, L25814R, L34687R, L32119R, L33046R.
Identifiers: ClinVar variation 1383835 (VCV001383835.6), dbSNP rs2154134402, ClinGen allele CA349412642.

ClinVar aggregate classification (germline): Uncertain significance (1 of 4 stars; one submission).

Conditions:
Dilated cardiomyopathy 1G (CMD1G). Identifiers: Orphanet 154, MedGen C1858763, MONDO:0011400, OMIM 604145.
Autosomal recessive limb-girdle muscular dystrophy type 2J (LGMDR10). Also called: MUSCULAR DYSTROPHY, LIMB-GIRDLE, AUTOSOMAL RECESSIVE 10; Limb-girdle muscular dystrophy, type 2J. Identifiers: Orphanet 140922, MedGen C1837342, MONDO:0012127, OMIM 608807.

Submission:

Labcorp Genetics (formerly Invitae), Labcorp
Classification: Uncertain significance for Dilated cardiomyopathy 1G; Autosomal recessive limb-girdle muscular dystrophy type 2J. Last evaluated: 2022-11-01. Review status: criteria provided, single submitter. Criteria: Invitae Variant Classification Sherloc (09022015). Collection method: clinical testing. Allele origin: germline.
Comment: This variant has not been reported in the literature in individuals affected with TTN-related conditions. ClinVar contains an entry for this variant (Variation ID: 1383835). Experimental studies and prediction algorithms are not available or were not evaluated, and the functional significance of this variant is currently unknown. This variant is located in the M band of TTN (PMID: 25589632). Variants in this region may be relevant for neuromuscular disorders, but have not been definitively shown to cause cardiomyopathy (PMID: 23975875). In summary, the available evidence is currently insufficient to determine the role of this variant in disease. Therefore, it has been classified as a Variant of Uncertain Significance. This variant is not present in population databases (gnomAD no frequency). This sequence change replaces leucine with arginine at codon 34687 of the TTN protein (p.Leu34687Arg). There is a moderate physicochemical difference between leucine and arginine.

Literature cited by the submitters: PubMed 25589632; PubMed 23975875.